The following is an entry in ClinVar:

NM_002098.6(GUCA1B):c.593C>G (p.Ala198Gly)

Gene: GUCA1B (guanylate cyclase activator 1B; minus strand). Cytogenetic location: 6p21.1.
Variant type: single nucleotide variant.
Coding change: c.593C>G on transcript NM_002098.6 (MANE Select); coding-DNA position 593, C replaced by G.
Protein change: p.Ala198Gly; replaces alanine 198 with glycine.
Molecular consequence: missense variant.
Genome position (GRCh38, 1-based): chr6:42,184,825, G>C on the plus strand (C>G on the coding strand, the complement: GUCA1B is on the minus strand). VCF-style: chr6-42184825-G-C. GRCh37 (hg19) VCF-style: chr6-42152563-G-C.
Other names: short protein forms A198G.
Identifiers: ClinVar variation 432761 (VCV000432761.2), dbSNP rs1554186885, ClinGen allele CA364112028.

ClinVar aggregate classification (germline): Uncertain significance (1 of 4 stars; one submission).

Submission:

GeneDx
Classification: Uncertain significance. Last evaluated: 2018-11-09. Review status: criteria provided, single submitter. Criteria: GeneDx Variant Classification (06012015). Collection method: clinical testing. Allele origin: germline. Affected: yes.
Comment: The A198G variant in the GUCA1B gene has not been reported previously as a pathogenic variant, nor as a benign variant, to our knowledge. The A198G variant is not observed in large population cohorts (Lek et al., 2016; 1000 Genomes Consortium et al., 2015; Exome Variant Server). The A198G variant is a conservative amino acid substitution, which is not likely to impact secondary protein structure as these residues share similar properties. This substitution occurs at a position that is conserved in mammals. In silico analysis is inconsistent in its predictions as to whether or not the variant is damaging to the protein structure/function. We interpret A198G as a variant of uncertain significance.